The following is an entry in ClinVar:

ClinVar aggregate classification (germline): Uncertain significance (1 of 4 stars; one submission).

gnomAD v4.1: 1 of 1,613,900 alleles (0.000062%); highest among the groups gnomAD compares: Non-Finnish European, 0.000085%; no homozygotes.

Submission:

CeGaT Center for Human Genetics Tuebingen
Classification: Uncertain significance. Last evaluated: 2026-08-01. Review status: criteria provided, single submitter. Criteria: CeGaT Center For Human Genetics Tuebingen Variant Classification Criteria Version 2. Collection method: clinical testing. Allele origin: germline. Affected: yes. Observed: 1 variant allele.
Comment: CDH23: PM2:Supporting, BP4

NM_022124.6(CDH23):c.8301C>T (p.Phe2767=)

Gene: CDH23 (cadherin related 23; plus strand). Cytogenetic location: 10q22.1.
Variant type: single nucleotide variant.
Coding change: c.8301C>T on transcript NM_022124.6 (MANE Select); coding-DNA position 8301, C replaced by T.
Protein change: p.Phe2767=; no amino-acid change (phenylalanine 2767 retained).
Molecular consequence: synonymous variant.
Genome position (GRCh38, 1-based): chr10:71,807,399, C>T. VCF-style: chr10-71807399-C-T. GRCh37 (hg19) VCF-style: chr10-73567156-C-T.
Other names: c.1581C>T, p.Phe527= (NM_001171933.1, NM_001171934.1).
Identifiers: ClinVar variation 5039160 (VCV005039160.1).